The following is an entry in ClinVar:

ClinVar aggregate classification (germline): Uncertain significance (1 of 4 stars; one submission).

Conditions:
Cardiovascular phenotype. Identifiers: MedGen CN230736.

Submission:

Ambry Genetics
Classification: Uncertain significance for Cardiovascular phenotype. Last evaluated: 2025-03-27. Review status: criteria provided, single submitter. Criteria: Ambry Variant Classification Scheme 2023. Collection method: clinical testing. Allele origin: germline.
Comment: The p.R1086G variant (also known as c.3256C>G), located in coding exon 28 of the RYR2 gene, results from a C to G substitution at nucleotide position 3256. The arginine at codon 1086 is replaced by glycine, an amino acid with dissimilar properties. This amino acid position is highly conserved in available vertebrate species. In addition, the in silico prediction for this alteration is inconclusive. Based on the available evidence, the clinical significance of this variant remains unclear.

NM_001035.3(RYR2):c.3256C>G (p.Arg1086Gly)

Gene: RYR2 (ryanodine receptor 2; plus strand). Cytogenetic location: 1q43.
Variant type: single nucleotide variant.
Coding change: c.3256C>G on transcript NM_001035.3 (MANE Select); coding-DNA position 3256, C replaced by G.
Protein change: p.Arg1086Gly; replaces arginine 1086 with glycine.
Molecular consequence: missense variant.
Genome position (GRCh38, 1-based): chr1:237,566,608, C>G. VCF-style: chr1-237566608-C-G. GRCh37 (hg19) VCF-style: chr1-237729908-C-G.
Other names: short protein forms R1086G.
Identifiers: ClinVar variation 3949052 (VCV003949052.1).